The following is an entry in ClinVar:

NM_020297.4(ABCC9):c.3770C>T (p.Thr1257Met)

Genes: ABCC9 (ATP binding cassette subfamily C member 9; minus strand), KCNJ8-AS1 (KCNJ8 antisense RNA 1; plus strand). Cytogenetic location: 12p12.1.
Variant type: single nucleotide variant.
Coding change: c.3770C>T on transcript NM_020297.4 (MANE Select); coding-DNA position 3770, C replaced by T.
Protein change: p.Thr1257Met; replaces threonine 1257 with methionine.
Molecular consequence: missense variant.
Genome position (GRCh38, 1-based): chr12:21,818,151, G>A on the plus strand (C>T on the coding strand, the complement: ABCC9 is on the minus strand). VCF-style: chr12-21818151-G-A. GRCh37 (hg19) VCF-style: chr12-21971085-G-A.
Other names: c.3770C>T, p.Thr1257Met (NM_001377273.1, NM_005691.4); c.2903C>T, p.Thr968Met (NM_001377274.1); short protein forms T1257M, T968M.
Identifiers: ClinVar variation 1957407 (VCV001957407.6), dbSNP rs533543882, ClinGen allele CA6481038.

ClinVar aggregate classification (germline): Uncertain significance. Review status: criteria provided, multiple submitters, no conflicts (2 of 4 stars). 2 submissions from 2 submitters: Uncertain significance (2). Last evaluated 2025-05-13.

Conditions:
Dilated cardiomyopathy 1O (CMD1O). Also called: CARDIOMYOPATHY, DILATED, WITH VENTRICULAR TACHYCARDIA. Identifiers: Orphanet 154, MedGen C1837839, MONDO:0012062, OMIM 608569.
Cardiovascular phenotype. Identifiers: MedGen CN230736.

Allele frequency attached by ClinVar (database versions not stated): gnomAD 0.00001; gnomAD exomes 0.00001; TOPMed 0.00001; 1000 Genomes Project 0.00020; ExAC 0.00002; 1000 Genomes Project 30x 0.00016.
gnomAD v4.1: 21 of 1,604,326 alleles (0.0013%); highest among the groups gnomAD compares: Non-Finnish European, 0.0016%; no homozygotes.

Submissions (2):

Labcorp Genetics (formerly Invitae), Labcorp
Classification: Uncertain significance for Dilated cardiomyopathy 1O. Last evaluated: 2025-05-13. Review status: criteria provided, single submitter. Criteria: Invitae Variant Classification Sherloc (09022015). Collection method: clinical testing. Allele origin: germline.
Comment: This sequence change replaces threonine, which is neutral and polar, with methionine, which is neutral and non-polar, at codon 1257 of the ABCC9 protein (p.Thr1257Met). This variant is present in population databases (rs533543882, gnomAD 0.007%). This variant has not been reported in the literature in individuals affected with ABCC9-related conditions. ClinVar contains an entry for this variant (Variation ID: 1957407). An algorithm developed to predict the effect of missense changes on protein structure and function (PolyPhen-2) suggests that this variant is likely to be tolerated. Algorithms developed to predict the effect of sequence changes on RNA splicing suggest that this variant may disrupt the consensus splice site. In summary, the available evidence is currently insufficient to determine the role of this variant in disease. Therefore, it has been classified as a Variant of Uncertain Significance.

Ambry Genetics
Classification: Uncertain significance for Cardiovascular phenotype. Last evaluated: 2024-03-11. Review status: criteria provided, single submitter. Criteria: Ambry Variant Classification Scheme 2023. Collection method: clinical testing. Allele origin: germline.
Comment: The p.T1257M variant (also known as c.3770C>T), located in coding exon 30 of the ABCC9 gene, results from a C to T substitution at nucleotide position 3770. The threonine at codon 1257 is replaced by methionine, an amino acid with similar properties. This amino acid position is well conserved in available vertebrate species. In addition, this alteration is predicted to be tolerated by in silico analysis. Based on the available evidence, the clinical significance of this alteration remains unclear.